The following is an entry in ClinVar:

ClinVar aggregate classification (germline): Benign/Likely benign. Review status: criteria provided, multiple submitters, no conflicts (2 of 4 stars). 3 submissions from 3 submitters: Benign (1); Likely benign (2). Last evaluated 2025-12-09.

Allele frequency attached by ClinVar (database versions not stated): gnomAD 0.00003 and 0.00004; ExAC 0.00004; gnomAD exomes 0.00004 and 0.00005; TOPMed 0.00004; ESP Exome Variant Server 0.00016.
gnomAD v4.1: 57 of 1,612,950 alleles (0.0035%); highest among the groups gnomAD compares: Non-Finnish European, 0.0045%; no homozygotes.

Submissions (3):

Women's Health and Genetics/Laboratory Corporation of America, LabCorp
Classification: Benign. Last evaluated: 2025-12-09. Review status: criteria provided, single submitter. Criteria: LabCorp Variant Classification Summary - May 2015. Collection method: clinical testing. Allele origin: germline.

Labcorp Genetics (formerly Invitae), Labcorp
Classification: Likely benign. Last evaluated: 2023-09-14. Review status: criteria provided, single submitter. Criteria: Invitae Variant Classification Sherloc (09022015). Collection method: clinical testing. Allele origin: germline.

Laboratory for Molecular Medicine, Mass General Brigham Personalized Medicine
Classification: Likely benign. Last evaluated: 2017-03-28. Review status: criteria provided, single submitter. Criteria: LMM Criteria. Collection method: clinical testing. Allele origin: germline. Observed: 1 variant allele.
Comment: p.Pro555Pro in exon 15 of MYH14: This variant is not expected to have clinical s ignificance because it does not alter an amino acid residue and is not located w ithin the splice consensus sequence. It has been identified in 4/56792 European chromosomes by the Exome Aggregation Consortium (ExAC; dbSNP rs202104229).

NM_001145809.2(MYH14):c.1665C>T (p.Pro555=)

Gene: MYH14 (myosin heavy chain 14; plus strand). Cytogenetic location: 19q13.33.
Variant type: single nucleotide variant.
Coding change: c.1665C>T on transcript NM_001145809.2 (MANE Select); coding-DNA position 1665, C replaced by T.
Protein change: p.Pro555=; no amino-acid change (proline 555 retained).
Molecular consequence: synonymous variant.
Genome position (GRCh38, 1-based): chr19:50,250,523, C>T. VCF-style: chr19-50250523-C-T. GRCh37 (hg19) VCF-style: chr19-50753780-C-T.
Other names: c.1665C>T, p.Pro555= (NM_001077186.2); c.1641C>T, p.Pro547= (NM_024729.4).
Identifiers: ClinVar variation 517287 (VCV000517287.8), dbSNP rs202104229, ClinGen allele CA9592699.